The following is an entry in ClinVar:

ClinVar aggregate classification (germline): Conflicting classifications of pathogenicity. Review status: criteria provided, conflicting classifications (1 of 4 stars). 4 submissions from 4 submitters: Uncertain significance (2); Likely benign (1). 1 of the submissions does not count toward it. Last evaluated 2026-01-26.

Conditions:
SLC10A2-related disorder. Also called: SLC10A2-related condition.

Allele frequency attached by ClinVar (database versions not stated): 1000 Genomes Project 30x 0.00031; 1000 Genomes Project 0.00040; ESP Exome Variant Server 0.00069; gnomAD 0.00080 and 0.00094; TOPMed 0.00091; ExAC 0.00152; gnomAD exomes 0.00154.
gnomAD v4.1: 2,391 of 1,614,136 alleles (0.15%); highest among the groups gnomAD compares: South Asian, 0.67%; 6 homozygotes.

Submissions (4):

Labcorp Genetics (formerly Invitae), Labcorp
Classification: Likely benign. Last evaluated: 2026-01-26. Review status: criteria provided, single submitter. Criteria: Invitae Variant Classification Sherloc (09022015). Collection method: clinical testing. Allele origin: germline.

GeneDx
Classification: Uncertain significance. Last evaluated: 2024-03-25. Review status: criteria provided, single submitter. Criteria: GeneDx Variant Classification Process June 2021. Collection method: clinical testing. Allele origin: germline. Affected: yes.
Comment: In silico analysis supports that this missense variant has a deleterious effect on protein structure/function; Has not been previously published as pathogenic or benign in association with an SLC10A2-related disorder to our knowledge; This variant is associated with the following publications: (PMID: 30504769)

Eurofins Ntd Llc (ga)
Classification: Uncertain significance. Last evaluated: 2018-07-27. Review status: criteria provided, single submitter. Criteria: EGL ClinVar v180209 classification definitions. Collection method: clinical testing. Allele origin: germline. Observed: 12 variant alleles, 12 heterozygotes.

PreventionGenetics, part of Exact Sciences
Classification: Likely benign for SLC10A2-related condition. Last evaluated: 2022-01-28. Review status: no assertion criteria provided. Collection method: clinical testing. Allele origin: germline. Not counted in ClinVar's aggregate classification.
Comment: This variant is classified as likely benign based on ACMG/AMP sequence variant interpretation guidelines (Richards et al. 2015 PMID: 25741868, with internal and published modifications).

NM_000452.3(SLC10A2):c.194C>T (p.Pro65Leu)

Gene: SLC10A2 (solute carrier family 10 member 2; minus strand). Cytogenetic location: 13q33.1.
Variant type: single nucleotide variant.
Coding change: c.194C>T on transcript NM_000452.3 (MANE Select); coding-DNA position 194, C replaced by T.
Protein change: p.Pro65Leu; replaces proline 65 with leucine.
Molecular consequence: missense variant.
Genome position (GRCh38, 1-based): chr13:103,066,056, G>A on the plus strand (C>T on the coding strand, the complement: SLC10A2 is on the minus strand). VCF-style: chr13-103066056-G-A. GRCh37 (hg19) VCF-style: chr13-103718406-G-A.
Other names: short protein forms P65L.
Identifiers: ClinVar variation 502051 (VCV000502051.17), dbSNP rs112657170, ClinGen allele CA7042314.
Genomic context (GRCh38, chr13:103,066,056, plus strand): 5'-ATGAATCCTGTGAGGGGCATGATTCCAAACTGACAGAGGAAGCCAACACAAATGCCCCAC[G>A]GCCGCTTTATGTGCCCTAGAAATTTCTTGATTTCCACGTTGCATCCCATGGAGAACATCA-3'
Protein context (NP_000443.2, residues 55-75): IKKFLGHIKR[Pro65Leu]WGICVGFLCQ